The following is an entry in ClinVar:

NM_001258392.3(CLPB):c.890G>A (p.Arg297Gln)

Gene: CLPB (ClpB family mitochondrial disaggregase; minus strand). Cytogenetic location: 11q13.4.
Variant type: single nucleotide variant.
Coding change: c.890G>A on transcript NM_001258392.3 (MANE Select); coding-DNA position 890, G replaced by A.
Protein change: p.Arg297Gln; replaces arginine 297 with glutamine.
Molecular consequence: missense variant.
Genome position (GRCh38, 1-based): chr11:72,317,204, C>T on the plus strand (G>A on the coding strand, the complement: CLPB is on the minus strand). VCF-style: chr11-72317204-C-T. GRCh37 (hg19) VCF-style: chr11-72028248-C-T.
Other names: c.803G>A, p.Arg268Gln (NM_001258393.3); c.845G>A, p.Arg282Gln (NM_001258394.3); c.980G>A, p.Arg327Gln (NM_030813.6); short protein forms R268Q, R282Q, R297Q, R327Q.
Identifiers: ClinVar variation 1363105 (VCV001363105.12), dbSNP rs762784246, ClinGen allele CA6171338.

ClinVar aggregate classification (germline): Uncertain significance (1 of 4 stars; one submission).

Conditions:
3-methylglutaconic aciduria, type VIIB (MGCA7B). Also called: CLPB Deficiency; 3-methylglutaconic aciduria with cataracts, neurologic involvement and neutropenia; 3-methylglutaconic aciduria, type VII, with cataracts, neurologic involvement and neutropenia. Identifiers: Orphanet 445038, MedGen C5676893, MONDO:0014561, OMIM 616271.

Allele frequency attached by ClinVar (database versions not stated): ExAC 0.00001; gnomAD exomes 0.00001; gnomAD 0.00003; TOPMed 0.00003.
gnomAD v4.1: 14 of 1,610,634 alleles (0.00087%); highest among the groups gnomAD compares: Middle Eastern, 0.016%; no homozygotes.

Submission:

Labcorp Genetics (formerly Invitae), Labcorp
Classification: Uncertain significance for 3-methylglutaconic aciduria, type VIIB. Last evaluated: 2025-11-24. Review status: criteria provided, single submitter. Criteria: Invitae Variant Classification Sherloc (09022015). Collection method: clinical testing. Allele origin: germline.
Comment: This sequence change replaces arginine, which is basic and polar, with glutamine, which is neutral and polar, at codon 327 of the CLPB protein (p.Arg327Gln). This variant is present in population databases (rs762784246, gnomAD 0.006%). This variant has not been reported in the literature in individuals affected with CLPB-related conditions. ClinVar contains an entry for this variant (Variation ID: 1363105). An algorithm developed to predict the effect of missense changes on protein structure and function (PolyPhen-2) suggests that this variant is likely to be tolerated. In summary, the available evidence is currently insufficient to determine the role of this variant in disease. Therefore, it has been classified as a Variant of Uncertain Significance.